The following is an entry in ClinVar:

ClinVar aggregate classification (germline): Conflicting classifications of pathogenicity. Review status: criteria provided, conflicting classifications (1 of 4 stars). 2 submissions from 2 submitters: Likely pathogenic (1); Uncertain significance (1). Last evaluated 2026-02-05.

Conditions:
Pyknodysostosis. Also called: Pycnodysostosis. Identifiers: Orphanet 763, MedGen C0238402, MONDO:0009940, OMIM 265800.

Submissions (2):

Myriad Genetics, Inc.
Classification: Uncertain significance for Pyknodysostosis. Last evaluated: 2026-02-05. Review status: criteria provided, single submitter. Criteria: Myriad Autosomal Dominant, Autosomal Recessive and X-Linked Classification Criteria (2023). Collection method: clinical testing. Allele origin: unknown.
Comment: NM_000396.3(CTSK):c.148T>G(W50G) is a missense variant classified as a variant of uncertain significance in the context of pycnodysostosis. W50G has been observed in a case with relevant disease (PMID: 29441215). Relevant functional assessments of this variant are not available in the literature. W50G has not been observed in referenced population frequency databases. In summary, there is insufficient evidence to classify NM_000396.3(CTSK):c.148T>G(W50G) as pathogenic or benign. Please note: this variant was assessed in the context of healthy population screening.

Kasturba Medical College, Manipal, Kasturba Medical College, Manipal, Manipal Academy of Higher Education, Manipal, India
Classification: Likely pathogenic for Pyknodysostosis. Review status: criteria provided, single submitter. Criteria: ACMG Guidelines, 2015. Collection method: clinical testing. Allele origin: inherited. Inheritance: Autosomal recessive inheritance. Affected: yes.

Literature cited by the submitters: PubMed 29441215 (cited by Myriad Genetics, Inc. and Kasturba Medical College, Manipal, Kasturba Medical College, Manipal, Manipal Academy of Higher Education, Manipal, India).

NM_000396.4(CTSK):c.148T>G (p.Trp50Gly)

Gene: CTSK (cathepsin K; minus strand). Cytogenetic location: 1q21.3.
Variant type: single nucleotide variant.
Coding change: c.148T>G on transcript NM_000396.4 (MANE Select); coding-DNA position 148, T replaced by G.
Protein change: p.Trp50Gly; replaces tryptophan 50 with glycine.
Molecular consequence: missense variant.
Genome position (GRCh38, 1-based): chr1:150,806,197, A>C on the plus strand (T>G on the coding strand, the complement: CTSK is on the minus strand). VCF-style: chr1-150806197-A-C. GRCh37 (hg19) VCF-style: chr1-150778673-A-C.
Other names: short protein forms W50G.
Identifiers: ClinVar variation 1332840 (VCV001332840.3), dbSNP rs2101953595, ClinGen allele CA342337387.